The following is an entry in ClinVar:

NM_001040142.2(SCN2A):c.13G>A (p.Val5Met)

Gene: SCN2A (sodium voltage-gated channel alpha subunit 2; plus strand). Cytogenetic location: 2q24.3.
Variant type: single nucleotide variant.
Coding change: c.13G>A on transcript NM_001040142.2 (MANE Select); coding-DNA position 13, G replaced by A.
Protein change: p.Val5Met; replaces valine 5 with methionine.
Molecular consequence: missense variant.
Genome position (GRCh38, 1-based): chr2:165,295,836, G>A. VCF-style: chr2-165295836-G-A. GRCh37 (hg19) VCF-style: chr2-166152346-G-A.
Other names: c.13G>A (NM_021007.2); c.13G>A, p.Val5Met (NM_001040143.2, NM_001371246.1, NM_001371247.1 and 1 more transcripts); short protein forms V5M.
Identifiers: ClinVar variation 2941800 (VCV002941800.4), dbSNP rs2467837698, ClinGen allele CA349009653.

ClinVar aggregate classification (germline): Uncertain significance. Review status: criteria provided, multiple submitters, no conflicts (2 of 4 stars). 2 submissions from 2 submitters: Uncertain significance (2). Last evaluated 2026-02-03.

Conditions:
Developmental and epileptic encephalopathy, 11 (DEE11). Also called: Early infantile epileptic encephalopathy 11. Identifiers: Orphanet 1934, MedGen C3150987, MONDO:0013388, OMIM 613721.
Seizures, benign familial infantile, 3 (BFIS3). Also called: CONVULSIONS, BENIGN FAMILIAL INFANTILE, 3; Familial neonatal seizures. Identifiers: Orphanet 140927, Orphanet 306, MedGen C1843140, MONDO:0011904, OMIM 607745.

Allele frequency attached by ClinVar (database versions not stated): gnomAD exomes 0.00001.
gnomAD v4.1: 9 of 1,614,104 alleles (0.00056%); highest among the groups gnomAD compares: Non-Finnish European, 0.00068%; no homozygotes.

Submissions (2):

GeneDx
Classification: Uncertain significance. Last evaluated: 2026-02-03. Review status: criteria provided, single submitter. Criteria: GeneDx Variant Classification Process June 2021. Collection method: clinical testing. Allele origin: germline.
Comment: Not observed at significant frequency in large population cohorts (gnomAD); In silico analysis suggests that this missense variant does not alter protein structure/function; Has not been previously published as pathogenic or benign to our knowledge; This substitution is predicted to be within the N-terminal cytoplasmic domain

Labcorp Genetics (formerly Invitae), Labcorp
Classification: Uncertain significance for Seizures, benign familial infantile, 3; Developmental and epileptic encephalopathy, 11. Last evaluated: 2023-07-27. Review status: criteria provided, single submitter. Criteria: Invitae Variant Classification Sherloc (09022015). Collection method: clinical testing. Allele origin: germline.
Comment: This sequence change replaces valine, which is neutral and non-polar, with methionine, which is neutral and non-polar, at codon 5 of the SCN2A protein (p.Val5Met). This variant is not present in population databases (gnomAD no frequency). This variant has not been reported in the literature in individuals affected with SCN2A-related conditions. Advanced modeling of protein sequence and biophysical properties (such as structural, functional, and spatial information, amino acid conservation, physicochemical variation, residue mobility, and thermodynamic stability) has been performed at Invitae for this missense variant, however the output from this modeling did not meet the statistical confidence thresholds required to predict the impact of this variant on SCN2A protein function. In summary, the available evidence is currently insufficient to determine the role of this variant in disease. Therefore, it has been classified as a Variant of Uncertain Significance.